The following is an entry in ClinVar:

NM_138694.4(PKHD1):c.10402A>G (p.Ile3468Val)

Gene: PKHD1 (PKHD1 ciliary IPT domain containing fibrocystin/polyductin; minus strand). Cytogenetic location: 6p12.3.
Variant type: single nucleotide variant.
Coding change: c.10402A>G on transcript NM_138694.4 (MANE Select); coding-DNA position 10402, A replaced by G.
Protein change: p.Ile3468Val; replaces isoleucine 3468 with valine.
Molecular consequence: missense variant.
Genome position (GRCh38, 1-based): chr6:51,659,724, T>C on the plus strand (A>G on the coding strand, the complement: PKHD1 is on the minus strand). VCF-style: chr6-51659724-T-C. GRCh37 (hg19) VCF-style: chr6-51524522-T-C.
Other names: short protein forms I3468V.
Identifiers: ClinVar variation 582719 (VCV000582719.11), dbSNP rs748863662, ClinGen allele CA3851085.

ClinVar aggregate classification (germline): Conflicting classifications of pathogenicity. Review status: criteria provided, conflicting classifications (1 of 4 stars). 4 submissions from 4 submitters: Likely pathogenic (1); Uncertain significance (2). 1 of the submissions does not count toward it. Last evaluated 2024-06-19.

Conditions:
Polycystic kidney disease 4 (PKD4). Also called: Autosomal Recessive Polycystic Kidney Disease – PKHD1; POLYCYSTIC KIDNEY DISEASE 4 WITH OR WITHOUT POLYCYSTIC LIVER DISEASE; POLYCYSTIC KIDNEY AND HEPATIC DISEASE 1; POLYCYSTIC KIDNEY DISEASE, INFANTILE, TYPE I; PKD3. Identifiers: MedGen C4540575, MONDO:0033004, OMIM 263200.
Autosomal recessive polycystic kidney disease (ARPKD). Also called: AR polycystic kidney disease. Identifiers: Orphanet 731, Orphanet 8378, MedGen C0085548, MeSH D017044, MONDO:0009889.

Allele frequency attached by ClinVar (database versions not stated): gnomAD exomes 0.00002 and 0.00007; ExAC 0.00003; gnomAD 0.00003 and 0.00004; TOPMed 0.00005.
gnomAD v4.1: 33 of 1,613,732 alleles (0.002%); highest among the groups gnomAD compares: Admixed American, 0.042%; no homozygotes.

Submissions (4):

Fulgent Genetics
Classification: Likely pathogenic for Polycystic kidney disease 4. Last evaluated: 2024-06-19. Review status: criteria provided, single submitter. Criteria: ACMG Guidelines, 2015. Collection method: clinical testing. Allele origin: germline.

Department of Pathology and Laboratory Medicine, Sinai Health System
Classification: Uncertain significance for Polycystic kidney disease 4. Last evaluated: 2022-08-29. Review status: criteria provided, single submitter. Criteria: ACMG Guidelines, 2015. Collection method: research. Allele origin: germline.

Labcorp Genetics (formerly Invitae), Labcorp
Classification: Uncertain significance for Autosomal recessive polycystic kidney disease. Last evaluated: 2021-09-16. Review status: criteria provided, single submitter. Criteria: Invitae Variant Classification Sherloc (09022015). Collection method: clinical testing. Allele origin: germline.
Comment: This sequence change replaces isoleucine with valine at codon 3468 of the PKHD1 protein (p.Ile3468Val). The isoleucine residue is moderately conserved and there is a small physicochemical difference between isoleucine and valine. This variant is present in population databases (rs748863662, ExAC 0.03%). This missense change has been observed in individual(s) with autosomal recessive polycystic kidney disease and congenital hepatic fibrosis (PMID: 12846734). Algorithms developed to predict the effect of missense changes on protein structure and function output the following: SIFT: "Tolerated"; PolyPhen-2: "Benign"; Align-GVGD: "Class C0". The valine amino acid residue is found in multiple mammalian species, which suggests that this missense change does not adversely affect protein function. In summary, the available evidence is currently insufficient to determine the role of this variant in disease. Therefore, it has been classified as a Variant of Uncertain Significance.

Natera, Inc.
Classification: Uncertain significance for Autosomal recessive polycystic kidney disease. Last evaluated: 2020-10-22. Review status: no assertion criteria provided. Collection method: clinical testing. Allele origin: germline. Not counted in ClinVar's aggregate classification.

Literature cited by the submitters: PubMed 12846734 (cited by Labcorp Genetics (formerly Invitae), Labcorp).